The following is an entry in ClinVar:

NM_000535.7(PMS2):c.338C>T (p.Ser113Leu)

Gene: PMS2 (PMS1 homolog 2, mismatch repair system component; minus strand). Cytogenetic location: 7p22.1.
Variant type: single nucleotide variant.
Coding change: c.338C>T on transcript NM_000535.7 (MANE Select); coding-DNA position 338, C replaced by T.
Protein change: p.Ser113Leu; replaces serine 113 with leucine.
Molecular consequence: missense variant. On other transcripts: 5 prime UTR variant (9), non-coding transcript variant (1), intron variant (2).
Genome position (GRCh38, 1-based): chr7:6,003,705, G>A on the plus strand (C>T on the coding strand, the complement: PMS2 is on the minus strand). VCF-style: chr7-6003705-G-A. GRCh37 (hg19) VCF-style: chr7-6043336-G-A.
Other names: c.-68C>T (NM_001322003.2, NM_001322004.2, NM_001322005.2 and 3 more transcripts); c.338C>T, p.Ser113Leu (NM_001322006.2, NM_001322014.2); c.-547C>T (NM_001322011.2, NM_001322012.2); c.-147C>T (NM_001322015.2); c.35+267C>T (NM_001322008.2, NM_001322007.2); c.338C>T (NM_000535.5); short protein forms S113L.
Identifiers: ClinVar variation 927596 (VCV000927596.6), dbSNP rs1785365441, ClinGen allele CA366744551.
Genomic context (GRCh38, chr7:6,003,705, plus strand): 5'-GGTTTCTCTAAGGGGTCAAGTGAGTGGATAAAAATATTGTATCACCTCAGTGCACAAAGT[G>A]AGCTCAGAGCTTCCCCCCGAAAGCCAAAAGTTTCAACCTGAGTTAGGTCGGCAAACTCTT-3'
Protein context (NP_000526.2, residues 103-123): TFGFRGEALS[Ser113Leu]LCALSDVTIS

ClinVar aggregate classification (germline): Uncertain significance. Review status: criteria provided, multiple submitters, no conflicts (2 of 4 stars). 3 submissions from 3 submitters: Uncertain significance (3). Last evaluated 2025-10-18.

Conditions:
Hereditary cancer-predisposing syndrome. Also called: Neoplastic Syndromes, Hereditary; Hereditary Cancer Syndrome; Tumor predisposition; Hereditary neoplastic syndrome. Identifiers: Orphanet 140162, MedGen C0027672, MeSH D009386, MONDO:0015356.
Hereditary nonpolyposis colorectal neoplasms. Identifiers: MedGen C0009405, MeSH D003123.

Allele frequency attached by ClinVar (database versions not stated): gnomAD exomes below 0.00001.
gnomAD v4.1: 1 of 1,585,452 alleles (0.000063%); highest among the groups gnomAD compares: Non-Finnish European, 0.000086%; no homozygotes.

Submissions (3):

Labcorp Genetics (formerly Invitae), Labcorp
Classification: Uncertain significance for Hereditary nonpolyposis colorectal neoplasms. Last evaluated: 2025-10-18. Review status: criteria provided, single submitter. Criteria: Invitae Variant Classification Sherloc (09022015). Collection method: clinical testing. Allele origin: germline.
Comment: This sequence change replaces serine, which is neutral and polar, with leucine, which is neutral and non-polar, at codon 113 of the PMS2 protein (p.Ser113Leu). This variant is not present in population databases (gnomAD no frequency). This variant has not been reported in the literature in individuals affected with PMS2-related conditions. ClinVar contains an entry for this variant (Variation ID: 927596). Invitae Evidence Modeling incorporating data from in vitro experimental studies (internal data) indicates that this missense variant is not expected to disrupt PMS2 function with a negative predictive value of 95%. In summary, the available evidence is currently insufficient to determine the role of this variant in disease. Therefore, it has been classified as a Variant of Uncertain Significance.

Ambry Genetics
Classification: Uncertain significance for Hereditary cancer-predisposing syndrome. Last evaluated: 2025-05-23. Review status: criteria provided, single submitter. Criteria: Ambry Variant Classification Scheme 2023. Collection method: clinical testing. Allele origin: germline.
Comment: The p.S113L variant (also known as c.338C>T), located in coding exon 4 of the PMS2 gene, results from a C to T substitution at nucleotide position 338. The serine at codon 113 is replaced by leucine, an amino acid with dissimilar properties. This amino acid position is conserved. In addition, this alteration is predicted to be deleterious by in silico analysis. Based on the available evidence, the clinical significance of this variant remains unclear.

Color Diagnostics, LLC DBA Color Health
Classification: Uncertain significance for Hereditary cancer-predisposing syndrome. Last evaluated: 2023-12-04. Review status: criteria provided, single submitter. Criteria: ACMG Guidelines, 2015. Collection method: clinical testing. Allele origin: germline.
Comment: This missense variant replaces serine with leucine at codon 113 of the PMS2 protein. Computational prediction suggests that this variant may have deleterious impact on protein structure and function (internally defined REVEL score threshold >= 0.7, PMID: 27666373). To our knowledge, functional studies have not been reported for this variant. This variant has not been reported in individuals affected with PMS2-related disorders in the literature. This variant has not been identified in the general population by the Genome Aggregation Database (gnomAD). The available evidence is insufficient to determine the role of this variant in disease conclusively. Therefore, this variant is classified as a Variant of Uncertain Significance.